The following is an entry in ClinVar:

ClinVar aggregate classification (germline): Benign/Likely benign. Review status: criteria provided, multiple submitters, no conflicts (2 of 4 stars). 4 submissions from 4 submitters: Benign (1); Likely benign (3). Last evaluated 2026-09-25.

Conditions:
CTNNA1-related disorder. Also called: CTNNA1-related condition.
Hereditary cancer-predisposing syndrome. Also called: Tumor predisposition; Hereditary Cancer Syndrome; Neoplastic Syndromes, Hereditary; Hereditary neoplastic syndrome. Identifiers: Orphanet 140162, MedGen C0027672, MeSH D009386, MONDO:0015356.
Hereditary diffuse gastric adenocarcinoma (HDGC). Also called: DIFFUSE GASTRIC AND LOBULAR BREAST CANCER SYNDROME. Identifiers: Orphanet 26106, MedGen C1708349, MONDO:0007648, OMIM 137215.

Allele frequency attached by ClinVar (database versions not stated): gnomAD exomes 0.00001.
gnomAD v4.1: 8 of 1,614,148 alleles (0.0005%); highest among the groups gnomAD compares: Non-Finnish European, 0.00068%; no homozygotes.

Submissions (4):

PreventionGenetics, part of Exact Sciences
Classification: Likely benign for CTNNA1-related condition. Last evaluated: 2026-09-25. Review status: criteria provided, single submitter. Criteria: ACMG Guidelines, 2015. Collection method: clinical testing. Allele origin: germline.
Comment: This variant is classified as likely benign based on ACMG/AMP sequence variant interpretation guidelines (Richards et al. 2015 PMID: 25741868, with internal and published modifications).

Labcorp Genetics (formerly Invitae), Labcorp
Classification: Likely benign. Last evaluated: 2025-11-09. Review status: criteria provided, single submitter. Criteria: Invitae Variant Classification Sherloc (09022015). Collection method: clinical testing. Allele origin: germline.

Myriad Genetics, Inc.
Classification: Benign for Hereditary diffuse gastric adenocarcinoma. Last evaluated: 2024-10-11. Review status: criteria provided, single submitter. Criteria: Myriad Autosomal Dominant, Autosomal Recessive and X-Linked Classification Criteria (2023). Collection method: clinical testing. Allele origin: unknown.
Comment: This variant is considered benign. This variant is a silent/synonymous amino acid change and it is not expected to impact splicing.

Ambry Genetics
Classification: Likely benign for Hereditary cancer-predisposing syndrome. Last evaluated: 2022-04-08. Review status: criteria provided, single submitter. Criteria: Ambry Variant Classification Scheme 2023. Collection method: clinical testing. Allele origin: germline.

NM_001903.5(CTNNA1):c.1449C>T (p.Asn483=)

Gene: CTNNA1 (catenin alpha 1; plus strand). Cytogenetic location: 5q31.2.
Variant type: single nucleotide variant.
Coding change: c.1449C>T on transcript NM_001903.5 (MANE Select); coding-DNA position 1449, C replaced by T.
Protein change: p.Asn483=; no amino-acid change (asparagine 483 retained).
Molecular consequence: synonymous variant. On other transcripts: 5 prime UTR variant (5).
Genome position (GRCh38, 1-based): chr5:138,917,801, C>T. VCF-style: chr5-138917801-C-T. GRCh37 (hg19) VCF-style: chr5-138253490-C-T.
Other names: c.1449C>T (NM_001903.4); c.1449C>T, p.Asn483= (NM_001290307.3, NM_001323982.2, NM_001323983.1 and 2 more transcripts); c.1140C>T, p.Asn380= (NM_001290309.3); c.1080C>T, p.Asn360= (NM_001290310.3); c.339C>T, p.Asn113= (NM_001290312.1, NM_001323987.1, NM_001323988.1 and 17 more transcripts); c.1356C>T, p.Asn452= (NM_001323986.2); c.-1C>T (NM_001324006.1, NM_001324007.1, NM_001324008.1 and 2 more transcripts); c.246C>T, p.Asn82= (NM_001324011.1); and 1 more.
Identifiers: ClinVar variation 1099773 (VCV001099773.13), dbSNP rs1162782641, ClinGen allele CA446596111.